The following is an entry in ClinVar:

NM_000018.4(ACADVL):c.715A>G (p.Lys239Glu)

Gene: ACADVL (acyl-CoA dehydrogenase very long chain; plus strand). Cytogenetic location: 17p13.1.
Variant type: single nucleotide variant.
Coding change: c.715A>G on transcript NM_000018.4 (MANE Select); coding-DNA position 715, A replaced by G.
Protein change: p.Lys239Glu; replaces lysine 239 with glutamic acid.
Molecular consequence: missense variant.
Genome position (GRCh38, 1-based): chr17:7,222,044, A>G. VCF-style: chr17-7222044-A-G. GRCh37 (hg19) VCF-style: chr17-7125363-A-G.
Other names: p.Lys239Glu; c.649A>G, p.Lys217Glu (NM_001033859.3); c.784A>G, p.Lys262Glu (NM_001270447.2); c.487A>G, p.Lys163Glu (NM_001270448.2); c.715A>G (NM_000018.2); short protein forms K239E, K217E, K163E, K262E.
Identifiers: ClinVar variation 849808 (VCV000849808.8), dbSNP rs776331587, ClinGen allele CA8337817.
Genomic context (GRCh38, chr17:7,222,044, plus strand): 5'-CCCTCAAGCGGGTCAGATGCAGCCTCCATCCGAACCTCTGCTGTGCCCAGCCCCTGTGGA[A>G]AATACTATACCCTCAATGGAAGCAAGCTTTGGATCAGGCAACCTGCCTCCCATTTCTCCC-3'
Protein context (NP_000009.1, residues 229-249): RTSAVPSPCG[Lys239Glu]YYTLNGSKLW

ClinVar aggregate classification (germline): Uncertain significance. Review status: criteria provided, multiple submitters, no conflicts (2 of 4 stars). 4 submissions from 4 submitters: Uncertain significance (3). 1 of the submissions does not count toward it. Last evaluated 2024-03-13.

Conditions:
Very long chain acyl-CoA dehydrogenase deficiency (ACADVLD). Also called: VLCAD Deficiency; Very Long-Chain Acyl-Coenzyme A Dehydrogenase Deficiency. Identifiers: Orphanet 26793, MedGen C3887523, MONDO:0008723, OMIM 201475.
Inborn genetic diseases. Identifiers: MedGen C0950123, MeSH D030342.

Allele frequency attached by ClinVar (database versions not stated): gnomAD 0.00001; gnomAD exomes 0.00003 and 0.00005; TOPMed 0.00003; ExAC 0.00007.

Submissions (4):

Ambry Genetics
Classification: Uncertain significance for Inborn genetic diseases. Last evaluated: 2024-03-13. Review status: criteria provided, single submitter. Criteria: Ambry Variant Classification Scheme 2023. Collection method: clinical testing. Allele origin: germline.
Comment: The p.K239E variant (also known as c.715A>G), located in coding exon 8 of the ACADVL gene, results from an A to G substitution at nucleotide position 715. The lysine at codon 239 is replaced by glutamic acid, an amino acid with similar properties. This amino acid position is conserved. In addition, the in silico prediction for this alteration is inconclusive. Since supporting evidence is limited at this time, the clinical significance of this alteration remains unclear.

Mayo Clinic Laboratories, Mayo Clinic
Classification: Uncertain significance. Last evaluated: 2023-01-17. Review status: criteria provided, single submitter. Criteria: ACMG Guidelines, 2015. Collection method: clinical testing. Allele origin: germline. Observed: 1 variant allele.
Comment: PM2_supporting

Labcorp Genetics (formerly Invitae), Labcorp
Classification: Uncertain significance for Very long chain acyl-CoA dehydrogenase deficiency. Last evaluated: 2022-02-03. Review status: criteria provided, single submitter. Criteria: Invitae Variant Classification Sherloc (09022015). Collection method: clinical testing. Allele origin: germline.
Comment: This sequence change replaces lysine, which is basic and polar, with glutamic acid, which is acidic and polar, at codon 239 of the ACADVL protein (p.Lys239Glu). This variant is present in population databases (rs776331587, gnomAD 0.04%). This variant has not been reported in the literature in individuals affected with ACADVL-related conditions. ClinVar contains an entry for this variant (Variation ID: 849808). Algorithms developed to predict the effect of missense changes on protein structure and function are either unavailable or do not agree on the potential impact of this missense change (SIFT: "Deleterious"; PolyPhen-2: "Benign"; Align-GVGD: "Class C55"). In summary, the available evidence is currently insufficient to determine the role of this variant in disease. Therefore, it has been classified as a Variant of Uncertain Significance.

Natera, Inc.
Classification: Uncertain significance for Very long chain acyl-CoA dehydrogenase deficiency. Last evaluated: 2020-09-16. Review status: no assertion criteria provided. Collection method: clinical testing. Allele origin: germline. Not counted in ClinVar's aggregate classification.